The following is an entry in ClinVar:

ClinVar aggregate classification (germline): Likely benign. Review status: criteria provided, multiple submitters, no conflicts (2 of 4 stars). 3 submissions from 3 submitters: Likely benign (2). 1 of the submissions does not count toward it. Last evaluated 2025-10-08.

Conditions:
Primary ciliary dyskinesia. Also called: Ciliary dyskinesia. Identifiers: Orphanet 244, MedGen C0008780, MONDO:0016575, HP:0012265.
DNAH11-related disorder. Also called: DNAH11-related condition.

Allele frequency attached by ClinVar (database versions not stated): gnomAD 0.00001 and 0.00004; TOPMed 0.00002; gnomAD exomes 0.00011 and 0.00020; 1000 Genomes Project 30x 0.00016; 1000 Genomes Project 0.00020; ExAC 0.00068.
gnomAD v4.1: 155 of 1,581,338 alleles (0.0098%); highest among the groups gnomAD compares: South Asian, 0.14%; 2 homozygotes.

Submissions (3):

Labcorp Genetics (formerly Invitae), Labcorp
Classification: Likely benign for Primary ciliary dyskinesia. Last evaluated: 2025-10-08. Review status: criteria provided, single submitter. Criteria: Invitae Variant Classification Sherloc (09022015). Collection method: clinical testing. Allele origin: germline.

Blueprint Genetics
Classification: Likely benign. Last evaluated: 2023-01-20. Review status: criteria provided, single submitter. Criteria: ACMG Guidelines, 2015. Collection method: clinical testing. Allele origin: germline.

PreventionGenetics, part of Exact Sciences
Classification: Likely benign for DNAH11-related condition. Last evaluated: 2024-01-19. Review status: no assertion criteria provided. Collection method: clinical testing. Allele origin: germline. Not counted in ClinVar's aggregate classification.
Comment: This variant is classified as likely benign based on ACMG/AMP sequence variant interpretation guidelines (Richards et al. 2015 PMID: 25741868, with internal and published modifications).

NM_001277115.2(DNAH11):c.11747T>C (p.Leu3916Ser)

Gene: DNAH11 (dynein axonemal heavy chain 11; plus strand). Cytogenetic location: 7p15.3.
Variant type: single nucleotide variant.
Coding change: c.11747T>C on transcript NM_001277115.2 (MANE Select); coding-DNA position 11747, T replaced by C.
Protein change: p.Leu3916Ser; replaces leucine 3916 with serine.
Molecular consequence: missense variant.
Genome position (GRCh38, 1-based): chr7:21,867,915, T>C. VCF-style: chr7-21867915-T-C. GRCh37 (hg19) VCF-style: chr7-21907533-T-C.
Other names: short protein forms L3916S.
Identifiers: ClinVar variation 699416 (VCV000699416.13), dbSNP rs538666182, ClinGen allele CA4182864.